The following is an entry in ClinVar:

NM_000317.3(PTS):c.240G>A (p.Met80Ile)

Gene: PTS (6-pyruvoyltetrahydropterin synthase; plus strand). Cytogenetic location: 11q23.1.
Variant type: single nucleotide variant.
Coding change: c.240G>A on transcript NM_000317.3 (MANE Select); coding-DNA position 240, G replaced by A.
Protein change: p.Met80Ile; replaces methionine 80 with isoleucine.
Molecular consequence: missense variant.
Genome position (GRCh38, 1-based): chr11:112,230,679, G>A. VCF-style: chr11-112230679-G-A. GRCh37 (hg19) VCF-style: chr11-112101402-G-A.
Other names: short protein forms M80I.
Identifiers: ClinVar variation 3348183 (VCV003348183.1).

ClinVar aggregate classification (germline): Uncertain significance (0 of 4 stars; one submission).

Conditions:
PTS-related disorder. Also called: PTS-related condition.

Submission:

PreventionGenetics, part of Exact Sciences
Classification: Uncertain significance for PTS-related condition. Last evaluated: 2024-04-06. Review status: no assertion criteria provided. Collection method: clinical testing. Allele origin: germline.
Comment: The PTS c.240G>A variant is predicted to result in the amino acid substitution p.Met80Ile. To our knowledge, this specific variant has not been reported in the literature or in a large population database, indicating this variant is rare. However, different substitutions of the same amino acid (p.Met80Val, p.Met80Thr) and a different nucleotide substitution leading to the same amino acid substitution (c.240G>T, p.Met80Ile) have been reported in individuals with 6-pyruvoyl tetrahydropterin synthase deficiency (Alfadhel et al. 2016. PubMed ID: 27629047; Ye et al. 2013. PubMed ID: 23138986; Manzoni et al. 2020. PubMed ID: 33234470). Although we suspect that this variant may be pathogenic, at this time, the clinical significance of this variant is uncertain due to the absence of conclusive functional and genetic evidence.